The following is an entry in ClinVar:

NM_001372.4(DNAH9):c.1298C>G (p.Ser433Cys)

Gene: DNAH9 (dynein axonemal heavy chain 9; plus strand). Cytogenetic location: 17p12.
Variant type: single nucleotide variant.
Coding change: c.1298C>G on transcript NM_001372.4 (MANE Select); coding-DNA position 1298, C replaced by G.
Protein change: p.Ser433Cys; replaces serine 433 with cysteine.
Molecular consequence: missense variant.
Genome position (GRCh38, 1-based): chr17:11,619,729, C>G. VCF-style: chr17-11619729-C-G. GRCh37 (hg19) VCF-style: chr17-11523046-C-G.
Other names: c.1298C>G (NM_001372.3); short protein forms S433C.
Identifiers: ClinVar variation 1661324 (VCV001661324.12), dbSNP rs117678834, ClinGen allele CA8394794.

ClinVar aggregate classification (germline): Benign/Likely benign. Review status: criteria provided, multiple submitters, no conflicts (2 of 4 stars). 4 submissions from 4 submitters: Benign (2); Likely benign (1). 1 of the submissions does not count toward it. Last evaluated 2025-12-24.

Conditions:
DNAH9-related disorder. Also called: DNAH9-related condition.

Allele frequency attached by ClinVar (database versions not stated): gnomAD exomes 0.00034 and 0.00125; gnomAD 0.00044 and 0.00060; TOPMed 0.00064; ExAC 0.00117; 1000 Genomes Project 30x 0.00297; 1000 Genomes Project 0.00319.
gnomAD v4.1: 590 of 1,614,060 alleles (0.037%); highest among the groups gnomAD compares: East Asian, 1.2%; 2 homozygotes.

Submissions (4):

Labcorp Genetics (formerly Invitae), Labcorp
Classification: Benign. Last evaluated: 2025-12-24. Review status: criteria provided, single submitter. Criteria: Invitae Variant Classification Sherloc (09022015). Collection method: clinical testing. Allele origin: germline.

Blueprint Genetics
Classification: Likely benign. Last evaluated: 2024-09-09. Review status: criteria provided, single submitter. Criteria: ACMG Guidelines, 2015. Collection method: clinical testing. Allele origin: germline.

Breakthrough Genomics
Classification: Benign. Review status: criteria provided, single submitter. Criteria: ACMG Guidelines, 2015. Collection method: not provided. Allele origin: germline. Inheritance: Autosomal recessive inheritance. Affected: yes.

PreventionGenetics, part of Exact Sciences
Classification: Benign for DNAH9-related condition. Last evaluated: 2019-06-26. Review status: no assertion criteria provided. Collection method: clinical testing. Allele origin: germline. Not counted in ClinVar's aggregate classification.
Comment: This variant is classified as benign based on ACMG/AMP sequence variant interpretation guidelines (Richards et al. 2015 PMID: 25741868, with internal and published modifications).